The following is an entry in ClinVar:

ClinVar aggregate classification (germline): Uncertain significance. Review status: criteria provided, multiple submitters, no conflicts (2 of 4 stars). 2 submissions from 2 submitters: Uncertain significance (2). Last evaluated 2024-12-06.

Conditions:
CBL-related disorder. Also called: NOONAN SYNDROME-LIKE DISORDER WITHOUT JUVENILE MYELOMONOCYTIC LEUKEMIA; CBL MUTATION-ASSOCIATED SYNDROME; CBL SYNDROME. Identifiers: Orphanet 363972, MedGen C3150803, MONDO:0013308, OMIM 613563.

Submissions (2):

GeneDx
Classification: Uncertain significance. Last evaluated: 2024-12-06. Review status: criteria provided, single submitter. Criteria: GeneDx Variant Classification Process June 2021. Collection method: clinical testing. Allele origin: germline. Affected: yes.
Comment: Not observed at significant frequency in large population cohorts (gnomAD); Within region sufficient for interaction with EPHB1 and N-terminal tyrosine kinase binding domain (PMID: 18034775, 20619386); In silico analysis indicates that this missense variant does not alter protein structure/function; Has not been previously published as pathogenic or benign to our knowledge; This variant is associated with the following publications: (PMID: 18034775, 20619386)

University of Washington Department of Laboratory Medicine, University of Washington
Classification: Uncertain significance for CBL-related disorder. Last evaluated: 2023-08-30. Review status: criteria provided, single submitter. Criteria: ACMG Guidelines, 2015. Collection method: clinical testing. Allele origin: de novo. Affected: yes.
Comment: This variant was absent from large population databases, including the Genome Aggregation Database. In silico tools do not consistently predict if the p.Ser131Thr variant impacts protein function; however, these predictions have not been tested directly. Using ACMG guidelines, this variant was classified as a variant of uncertain significance (ACMG evidence codes used: PS2_moderate, PM2_supporting).

NM_005188.4(CBL):c.392G>C (p.Ser131Thr)

Gene: CBL (Cbl proto-oncogene; plus strand). Cytogenetic location: 11q23.3.
Variant type: single nucleotide variant.
Coding change: c.392G>C on transcript NM_005188.4 (MANE Select); coding-DNA position 392, G replaced by C.
Protein change: p.Ser131Thr; replaces serine 131 with threonine.
Molecular consequence: missense variant.
Genome position (GRCh38, 1-based): chr11:119,232,644, G>C. VCF-style: chr11-119232644-G-C. GRCh37 (hg19) VCF-style: chr11-119103354-G-C.
Other names: c.392G>C (NM_005188.2); short protein forms S131T.
Identifiers: ClinVar variation 3255501 (VCV003255501.2), dbSNP rs2496866195.
Genomic context (GRCh38, chr11:119,232,644, plus strand): 5'-AAAATGAGTATTTTAGGGTGTTTATGGAGAATTTGATGAAGAAAACTAAGCAAACCATAA[G>C]CCTCTTCAAGGAGGGAAAAGAAAGAATGTATGAGGAGAATTCTCAGCCTAGGTAATGGAG-3'
Protein context (NP_005179.2, residues 121-141): NLMKKTKQTI[Ser131Thr]LFKEGKERMY